The following is an entry in ClinVar:

ClinVar aggregate classification (germline): Uncertain significance (1 of 4 stars; one submission).

Submission:

GeneDx
Classification: Uncertain significance. Last evaluated: 2020-09-09. Review status: criteria provided, single submitter. Criteria: GeneDx Variant Classification Process June 2021. Collection method: clinical testing. Allele origin: germline. Affected: yes.
Comment: Has not been previously published as pathogenic or benign to our knowledge; Not observed in large population cohorts (Lek et al., 2016); In silico analysis supports that this missense variant has a deleterious effect on protein structure/function

NM_003036.4(SKI):c.509C>T (p.Ser170Leu)

Gene: SKI (SKI proto-oncogene; plus strand). Cytogenetic location: 1p36.33.
Variant type: single nucleotide variant.
Coding change: c.509C>T on transcript NM_003036.4 (MANE Select); coding-DNA position 509, C replaced by T.
Protein change: p.Ser170Leu; replaces serine 170 with leucine.
Molecular consequence: missense variant.
Genome position (GRCh38, 1-based): chr1:2,229,275, C>T. VCF-style: chr1-2229275-C-T. GRCh37 (hg19) VCF-style: chr1-2160714-C-T.
Other names: short protein forms S170L.
Identifiers: ClinVar variation 1304101 (VCV001304101.2), dbSNP rs2100790364, ClinGen allele CA337953656.
Genomic context (GRCh38, chr1:2,229,275, plus strand): 5'-GCTCGCGCTGCACGGCCGACCAGCTGGAGATCCTCAAAGTCATGGGCATCCTGCCCTTCT[C>T]GGCGCCCTCGTGCGGGCTCATCACCAAGACGGACGCCGAGCGCCTGTGCAACGCGCTGCT-3'
Protein context (NP_003027.1, residues 160-180): ILKVMGILPF[Ser170Leu]APSCGLITKT